The following is an entry in ClinVar:

ClinVar aggregate classification (germline): Conflicting classifications of pathogenicity. Review status: criteria provided, conflicting classifications (1 of 4 stars). 3 submissions from 3 submitters: Uncertain significance (1); Likely benign (2). Last evaluated 2026-03-09.

Conditions:
NLRP3-related disorder. Also called: NLRP3-Related Disorders; NLRP3-related condition.
Inborn genetic diseases. Identifiers: MedGen C0950123, MeSH D030342.
Cryopyrin associated periodic syndrome (CAPS). Identifiers: Orphanet 208650, MedGen C2316212, MONDO:0016168.

Allele frequency attached by ClinVar (database versions not stated): ExAC 0.00002; gnomAD exomes 0.00002; TOPMed 0.00002; gnomAD 0.00004; ESP Exome Variant Server 0.00008.
gnomAD v4.1: 44 of 1,613,734 alleles (0.0027%); highest among the groups gnomAD compares: Middle Eastern, 0.017%; no homozygotes.

Submissions (3):

PreventionGenetics, part of Exact Sciences
Classification: Likely benign for NLRP3-related condition. Last evaluated: 2026-03-09. Review status: criteria provided, single submitter. Criteria: ACMG Guidelines, 2015. Collection method: clinical testing. Allele origin: germline.
Comment: This variant is classified as likely benign based on ACMG/AMP sequence variant interpretation guidelines (Richards et al. 2015 PMID: 25741868, with internal and published modifications).

Ambry Genetics
Classification: Likely benign for Inborn genetic diseases. Last evaluated: 2025-08-23. Review status: criteria provided, single submitter. Criteria: Ambry Variant Classification Scheme 2023. Collection method: clinical testing. Allele origin: germline.

Labcorp Genetics (formerly Invitae), Labcorp
Classification: Uncertain significance for Cryopyrin associated periodic syndrome. Last evaluated: 2023-11-28. Review status: criteria provided, single submitter. Criteria: Invitae Variant Classification Sherloc (09022015). Collection method: clinical testing. Allele origin: germline.
Comment: This sequence change affects codon 947 of the NLRP3 mRNA. It is a 'silent' change, meaning that it does not change the encoded amino acid sequence of the NLRP3 protein. It affects a nucleotide within the consensus splice site. This variant is present in population databases (rs367694129, gnomAD 0.006%). This variant has not been reported in the literature in individuals affected with NLRP3-related conditions. ClinVar contains an entry for this variant (Variation ID: 1434806). Algorithms developed to predict the effect of sequence changes on RNA splicing suggest that this variant is not likely to affect RNA splicing. In summary, the available evidence is currently insufficient to determine the role of this variant in disease. Therefore, it has been classified as a Variant of Uncertain Significance.

NM_001243133.2(NLRP3):c.2835A>G (p.Glu945=)

Gene: NLRP3 (NLR family pyrin domain containing 3; plus strand). Cytogenetic location: 1q44.
Variant type: single nucleotide variant.
Coding change: c.2835A>G on transcript NM_001243133.2 (MANE Select); coding-DNA position 2835, A replaced by G.
Protein change: p.Glu945=; no amino-acid change (glutamic acid 945 retained).
Molecular consequence: synonymous variant.
Genome position (GRCh38, 1-based): chr1:247,444,651, A>G. VCF-style: chr1-247444651-A-G. GRCh37 (hg19) VCF-style: chr1-247607953-A-G.
Other names: c.2835A>G, p.Glu945= (NM_001079821.3); c.2664A>G, p.Glu888= (NM_001127461.3, NM_001127462.3); c.2841A>G, p.Glu947= (NM_004895.5); c.2493A>G, p.Glu831= (NM_183395.3); c.2841A>G (NM_004895.4).
Identifiers: ClinVar variation 1434806 (VCV001434806.10), dbSNP rs367694129, ClinGen allele CA1495378.
Genomic context (GRCh38, chr1:247,444,651, plus strand): 5'-CTTGGGGAGCTAGGGGGATGGTTAAGGGGACATTTTCTTTAAATCACCCCCTTTTTGCAG[A>G]TTAGACAACTGCAACCTCACGTCACACTGCTGCTGGGATCTTTCCACACTTCTGACCTCC-3'
Protein context (NP_001230062.1, residues 935-955): LHPDCKLQVL[Glu945=]LDNCNLTSHC